The following is an entry in ClinVar:

NM_004656.4(BAP1):c.1049C>T (p.Pro350Leu)

Gene: BAP1 (BRCA1 associated deubiquitinase 1; minus strand). Cytogenetic location: 3p21.1.
Variant type: single nucleotide variant.
Coding change: c.1049C>T on transcript NM_004656.4 (MANE Select); coding-DNA position 1049, C replaced by T.
Protein change: p.Pro350Leu; replaces proline 350 with leucine.
Molecular consequence: missense variant.
Genome position (GRCh38, 1-based): chr3:52,405,177, G>A on the plus strand (C>T on the coding strand, the complement: BAP1 is on the minus strand). VCF-style: chr3-52405177-G-A. GRCh37 (hg19) VCF-style: chr3-52439193-G-A.
Other names: short protein forms P350L.
Identifiers: ClinVar variation 630549 (VCV000630549.18), dbSNP rs1454833874, ClinGen allele CA353105750.

ClinVar aggregate classification (germline): Uncertain significance. Review status: criteria provided, multiple submitters, no conflicts (2 of 4 stars). 5 submissions from 5 submitters: Uncertain significance (5). Last evaluated 2025-12-15.

Conditions:
Hereditary cancer-predisposing syndrome. Also called: Tumor predisposition; Neoplastic Syndromes, Hereditary; Hereditary neoplastic syndrome; Hereditary Cancer Syndrome. Identifiers: Orphanet 140162, MedGen C0027672, MeSH D009386, MONDO:0015356.
BAP1-related tumor predisposition syndrome (TPDS1). Also called: Tumor susceptibility linked to germline BAP1 mutations; BAP1 tumor predisposition syndrome; COMMON Syndrome; TUMOR PREDISPOSITION SYNDROME 1. Identifiers: Orphanet 289539, MedGen C3280492, MONDO:0013692, OMIM 614327.

Allele frequency attached by ClinVar (database versions not stated): gnomAD exomes below 0.00001; TOPMed 0.00001; gnomAD 0.00002.
gnomAD v4.1: 5 of 1,613,996 alleles (0.00031%); highest among the groups gnomAD compares: African/African-American, 0.0027%; no homozygotes.

Submissions (5):

Labcorp Genetics (formerly Invitae), Labcorp
Classification: Uncertain significance for BAP1-related tumor predisposition syndrome. Last evaluated: 2025-12-15. Review status: criteria provided, single submitter. Criteria: Invitae Variant Classification Sherloc (09022015). Collection method: clinical testing. Allele origin: germline.
Comment: This sequence change replaces proline, which is neutral and non-polar, with leucine, which is neutral and non-polar, at codon 350 of the BAP1 protein (p.Pro350Leu). This variant is present in population databases (no rsID available, gnomAD 0.01%). This variant has not been reported in the literature in individuals affected with BAP1-related conditions. ClinVar contains an entry for this variant (Variation ID: 630549). Invitae Evidence Modeling of protein sequence and biophysical properties (such as structural, functional, and spatial information, amino acid conservation, physicochemical variation, residue mobility, and thermodynamic stability) indicates that this missense variant is not expected to disrupt BAP1 protein function with a negative predictive value of 80%. In summary, the available evidence is currently insufficient to determine the role of this variant in disease. Therefore, it has been classified as a Variant of Uncertain Significance.

Ambry Genetics
Classification: Uncertain significance for Hereditary cancer-predisposing syndrome. Last evaluated: 2025-09-01. Review status: criteria provided, single submitter. Criteria: Ambry Variant Classification Scheme 2023. Collection method: clinical testing. Allele origin: germline.
Comment: The p.P350L variant (also known as c.1049C>T), located in coding exon 11 of the BAP1 gene, results from a C to T substitution at nucleotide position 1049. The proline at codon 350 is replaced by leucine, an amino acid with similar properties. This amino acid position is well conserved in available vertebrate species. In addition, this alteration is predicted to be tolerated by in silico analysis. Since supporting evidence is limited at this time, the clinical significance of this alteration remains unclear.

Baylor Genetics
Classification: Uncertain significance for BAP1-related tumor predisposition syndrome. Last evaluated: 2024-02-23. Review status: criteria provided, single submitter. Criteria: ACMG Guidelines, 2015. Collection method: clinical testing. Allele origin: unknown.

Color Diagnostics, LLC DBA Color Health
Classification: Uncertain significance for Hereditary cancer-predisposing syndrome. Last evaluated: 2023-12-05. Review status: criteria provided, single submitter. Criteria: ACMG Guidelines, 2015. Collection method: clinical testing. Allele origin: germline.
Comment: This missense variant replaces proline with leucine at codon 350 of the BAP1 protein. Computational prediction suggests that this variant may not impact protein structure and function (internally defined REVEL score threshold <= 0.5, PMID: 27666373). To our knowledge, functional studies have not been reported for this variant. This variant has not been reported in individuals affected with BAP1-related disorders in the literature. This variant has been identified in 1/31378 chromosomes in the general population by the Genome Aggregation Database (gnomAD). The available evidence is insufficient to determine the role of this variant in disease conclusively. Therefore, this variant is classified as a Variant of Uncertain Significance.

GeneDx
Classification: Uncertain significance. Last evaluated: 2022-12-08. Review status: criteria provided, single submitter. Criteria: GeneDx Variant Classification Process June 2021. Collection method: clinical testing. Allele origin: germline. Affected: yes.
Comment: Not observed at significant frequency in large population cohorts (gnomAD); In silico analysis supports that this missense variant does not alter protein structure/function; Has not been previously published as pathogenic or benign to our knowledge